The following is an entry in ClinVar:

ClinVar aggregate classification (germline): Uncertain significance (1 of 4 stars; one submission).

Conditions:
Familial focal epilepsy with variable foci (FPEVF). Identifiers: Orphanet 98820, MedGen C1858477, MONDO:0020310.

Submission:

Labcorp Genetics (formerly Invitae), Labcorp
Classification: Uncertain significance for Familial focal epilepsy with variable foci. Last evaluated: 2022-05-07. Review status: criteria provided, single submitter. Criteria: Invitae Variant Classification Sherloc (09022015). Collection method: clinical testing. Allele origin: germline.
Comment: This sequence change replaces aspartic acid, which is acidic and polar, with glycine, which is neutral and non-polar, at codon 232 of the DEPDC5 protein (p.Asp232Gly). This variant is not present in population databases (gnomAD no frequency). This variant has not been reported in the literature in individuals affected with DEPDC5-related conditions. Algorithms developed to predict the effect of missense changes on protein structure and function are either unavailable or do not agree on the potential impact of this missense change (SIFT: "Deleterious"; PolyPhen-2: "Not Available"; Align-GVGD: "Class C15"). In summary, the available evidence is currently insufficient to determine the role of this variant in disease. Therefore, it has been classified as a Variant of Uncertain Significance.

NM_001242896.3(DEPDC5):c.695A>G (p.Asp232Gly)

Gene: DEPDC5 (DEP domain containing 5, GATOR1 subcomplex subunit; plus strand). Cytogenetic location: 22q12.2.
Variant type: single nucleotide variant.
Coding change: c.695A>G on transcript NM_001242896.3 (MANE Select); coding-DNA position 695, A replaced by G.
Protein change: p.Asp232Gly; replaces aspartic acid 232 with glycine.
Molecular consequence: missense variant. On other transcripts: non-coding transcript variant (5).
Genome position (GRCh38, 1-based): chr22:31,792,745, A>G. VCF-style: chr22-31792745-A-G. GRCh37 (hg19) VCF-style: chr22-32188731-A-G.
Other names: c.695A>G, p.Asp232Gly (NM_001007188.4, NM_001136029.4, NM_001242897.2 and 7 more transcripts); c.611A>G, p.Asp204Gly (NM_001369901.1, NM_001369902.1); short protein forms D204G, D232G.
Identifiers: ClinVar variation 2188482 (VCV002188482.4), dbSNP rs2518620748, ClinGen allele CA411288759.
Genomic context (GRCh38, chr22:31,792,745, plus strand): 5'-CTGACAAAACTGAATTTCTCTTCTCAGCCTGAACTACATACTCCGTTTTCTCTATTTCAG[A>G]TGAATTTCCTGAAATAAACCGAGCCTCAATTCGACAGGATCACAAGGGGAGATTCTATGA-3'
Protein context (NP_001229825.1, residues 222-242): SRTFYDAKSV[Asp232Gly]EFPEINRASI